The following is an entry in ClinVar:

ClinVar aggregate classification (germline): Uncertain significance. Review status: criteria provided, multiple submitters, no conflicts (2 of 4 stars). 2 submissions from 2 submitters: Uncertain significance (2). Last evaluated 2021-08-12.

Conditions:
COG1 congenital disorder of glycosylation (CDG2G). Also called: CONGENITAL DISORDER OF GLYCOSYLATION, TYPE IIg; CDG IIg; CDGII/COG1 CEREBROCOSTOMANDIBULAR-LIKE SYNDROME. Identifiers: Orphanet 263508, MedGen C2931011, MONDO:0012637, OMIM 611209.

Allele frequency attached by ClinVar (database versions not stated): gnomAD exomes 0.00001.
gnomAD v4.1: 6 of 1,614,110 alleles (0.00037%); highest among the groups gnomAD compares: Non-Finnish European, 0.00051%; no homozygotes.

Submissions (2):

Labcorp Genetics (formerly Invitae), Labcorp
Classification: Uncertain significance for COG1 congenital disorder of glycosylation. Last evaluated: 2021-08-12. Review status: criteria provided, single submitter. Criteria: Invitae Variant Classification Sherloc (09022015). Collection method: clinical testing. Allele origin: germline.
Comment: This sequence change replaces leucine with proline at codon 170 of the COG1 protein (p.Leu170Pro). The leucine residue is moderately conserved and there is a moderate physicochemical difference between leucine and proline. This variant is not present in population databases (ExAC no frequency). This variant has not been reported in the literature in individuals affected with COG1-related conditions. Algorithms developed to predict the effect of missense changes on protein structure and function are either unavailable or do not agree on the potential impact of this missense change (SIFT: "Deleterious"; PolyPhen-2: "Probably Damaging"; Align-GVGD: "Class C0"). In summary, the available evidence is currently insufficient to determine the role of this variant in disease. Therefore, it has been classified as a Variant of Uncertain Significance.

Blueprint Genetics
Classification: Uncertain significance. Last evaluated: 2021-08-04. Review status: criteria provided, single submitter. Criteria: ACMG Guidelines, 2015. Collection method: clinical testing. Allele origin: germline.

NM_018714.3(COG1):c.509T>C (p.Leu170Pro)

Gene: COG1 (component of oligomeric golgi complex 1; plus strand). Cytogenetic location: 17q25.1.
Variant type: single nucleotide variant.
Coding change: c.509T>C on transcript NM_018714.3 (MANE Select); coding-DNA position 509, T replaced by C.
Protein change: p.Leu170Pro; replaces leucine 170 with proline.
Molecular consequence: missense variant.
Genome position (GRCh38, 1-based): chr17:73,196,700, T>C. VCF-style: chr17-73196700-T-C. GRCh37 (hg19) VCF-style: chr17-71192839-T-C.
Other names: short protein forms L170P.
Identifiers: ClinVar variation 1464801 (VCV001464801.7), dbSNP rs2145092629, ClinGen allele CA400883829.
Genomic context (GRCh38, chr17:73,196,700, plus strand): 5'-GCTGCCACCTCCACAGCCTGCTCCAGCTGGATTCTTCTAGTTCCCGATACAGTCCCGTCC[T>C]CTCCCGGTTTCCTATACTCATCCGGCAGGTGGCAGCCGCCAGCCACTTCCGGTAAGTGGA-3'
Protein context (NP_061184.1, residues 160-180): DSSSSRYSPV[Leu170Pro]SRFPILIRQV